The following is an entry in ClinVar:

NM_000138.5(FBN1):c.7151_7152del (p.Val2384fs)

Gene: FBN1 (fibrillin 1; minus strand). Cytogenetic location: 15q21.1.
Variant type: Microsatellite.
Coding change: c.7151_7152del on transcript NM_000138.5 (MANE Select); coding-DNA positions 7151 to 7152, 2 bases deleted (TG; older notation c.7151_7152delTG).
Protein change: p.Val2384fs; shifts the reading frame from valine 2384.
Molecular consequence: frameshift variant.
Genome position (GRCh38, 1-based): chr15:48,427,619-48,427,620, CA deleted on the plus strand (TG on the coding strand, the reverse complement: FBN1 is on the minus strand); deleting any 2 consecutive bases within chr15:48,427,619-48,427,622 gives the same sequence; the c. name uses the placement nearest the transcript's 3' end. VCF-style (leftmost placement, unchanged base first): chr15-48427618-CCA-C. GRCh37 (hg19) VCF-style: chr15-48719815-CCA-C.
Other names: short protein forms V2384fs.
Identifiers: ClinVar variation 222622 (VCV000222622.18), dbSNP rs869025423, ClinGen allele CA353692.

ClinVar aggregate classification (germline): Pathogenic. Review status: criteria provided, single submitter (1 of 4 stars). 2 submissions from 2 submitters: Pathogenic (1). 1 of the submissions does not count toward it. Last evaluated 2021-03-01.

Conditions:
Marfan syndrome (MFS). Also called: MARFAN SYNDROME, TYPE I; FBN1-Related Marfan Syndrome; Marfan syndrome, classic; Marfan syndrome type 1; Marfan's syndrome. Identifiers: Orphanet 284963, Orphanet 558, MedGen C0024796, MONDO:0007947, OMIM 154700.

Submissions (2):

Centre of Medical Genetics, University of Antwerp
Classification: Pathogenic for Marfan syndrome. Last evaluated: 2021-03-01. Review status: criteria provided, single submitter. Criteria: Submitter's publication. Collection method: research. Allele origin: unknown. Affected: yes.
Comment: PM2, PVS1, PP4

Center for Medical Genetics Ghent, University of Ghent
Classification: Pathogenic for Marfan syndrome. Last evaluated: 2017-11-07. Review status: no assertion criteria provided. Collection method: clinical testing. Allele origin: germline. Affected: yes. Not counted in ClinVar's aggregate classification.